The following is an entry in ClinVar:

NM_032581.4(HYCC1):c.626+5A>G

Gene: HYCC1 (hyccin PI4KA lipid kinase complex subunit 1; minus strand). Cytogenetic location: 7p15.3.
Variant type: single nucleotide variant.
Coding change: c.626+5A>G on transcript NM_032581.4 (MANE Select); 5 bases into the intron after coding-DNA position 626, A replaced by G.
Molecular consequence: intron variant.
Genome position (GRCh38, 1-based): chr7:22,976,205, T>C on the plus strand (A>G on the coding strand, the complement: HYCC1 is on the minus strand). VCF-style: chr7-22976205-T-C. GRCh37 (hg19) VCF-style: chr7-23015824-T-C.
Other names: c.626+5A>G (NM_001363467.2, NM_001363466.2).
Identifiers: ClinVar variation 359779 (VCV000359779.12), dbSNP rs778280191, ClinGen allele CA4185964.

ClinVar aggregate classification (germline): Conflicting classifications of pathogenicity. Review status: criteria provided, conflicting classifications (1 of 4 stars). 5 submissions from 5 submitters: Uncertain significance (4); Likely benign (1). Last evaluated 2022-06-08.

Conditions:
Inborn genetic diseases. Identifiers: MedGen C0950123, MeSH D030342.
Hypomyelination and Congenital Cataract (HLD5). Also called: hypomyelinating leukodystrophy 5. Identifiers: Orphanet 85163, MedGen C1864663, MONDO:0012514, OMIM 610532.

Allele frequency attached by ClinVar (database versions not stated): gnomAD exomes below 0.00001 and 0.00001; ExAC 0.00001; gnomAD 0.00002; TOPMed 0.00003.
gnomAD v4.1: 17 of 1,579,104 alleles (0.0011%); highest among the groups gnomAD compares: African/African-American, 0.0027%; no homozygotes.

Submissions (5):

Ambry Genetics
Classification: Uncertain significance for Inborn genetic diseases. Last evaluated: 2022-06-08. Review status: criteria provided, single submitter. Criteria: Ambry Variant Classification Scheme 2023. Collection method: clinical testing. Allele origin: germline.
Comment: The c.626+5A>G intronic alteration consists of a A to G substitution nucleotides after coding exon 6 in the FAM126A gene. Based on insufficient or conflicting evidence, the clinical significance of this alteration remains unclear.

Labcorp Genetics (formerly Invitae), Labcorp
Classification: Uncertain significance for Hypomyelination and Congenital Cataract. Last evaluated: 2021-04-30. Review status: criteria provided, single submitter. Criteria: Invitae Variant Classification Sherloc (09022015). Collection method: clinical testing. Allele origin: germline.
Comment: In summary, the available evidence is currently insufficient to determine the role of this variant in disease. Therefore, it has been classified as a Variant of Uncertain Significance. Nucleotide substitutions within the consensus splice site are a relatively common cause of aberrant splicing (PMID: 17576681, 9536098). Algorithms developed to predict the effect of sequence changes on RNA splicing suggest that this variant may create or strengthen a splice site, but this prediction has not been confirmed by published transcriptional studies. This variant has not been reported in the literature in individuals with FAM126A-related conditions. ClinVar contains an entry for this variant (Variation ID: 359779). This variant is present in population databases (rs778280191, ExAC 0.002%). This sequence change falls in intron 7 of the FAM126A gene. It does not directly change the encoded amino acid sequence of the FAM126A protein. It affects a nucleotide within the consensus splice site of the intron.

GeneDx
Classification: Uncertain significance. Last evaluated: 2021-04-08. Review status: criteria provided, single submitter. Criteria: GeneDx Variant Classification Process June 2021. Collection method: clinical testing. Allele origin: germline. Affected: yes.
Comment: Has not been previously published as pathogenic or benign to our knowledge; In silico analysis suggests this variant may impact gene splicing. In the absence of RNA/functional studies, the actual effect of this sequence change is unknown.; Not observed at a significant frequency in large population cohorts (Lek et al., 2016)

Blueprint Genetics
Classification: Likely benign. Last evaluated: 2020-12-04. Review status: criteria provided, single submitter. Criteria: ACMG Guidelines, 2015. Collection method: clinical testing. Allele origin: germline.

Illumina Laboratory Services, Illumina
Classification: Uncertain significance for Hypomyelination and Congenital Cataract. Last evaluated: 2018-01-13. Review status: criteria provided, single submitter. Criteria: ICSL Variant Classification Criteria 13 December 2019. Collection method: clinical testing. Allele origin: germline.

Literature cited by the submitters: PubMed 17576681 (cited by Labcorp Genetics (formerly Invitae), Labcorp); PubMed 9536098 (cited by Labcorp Genetics (formerly Invitae), Labcorp).